The following is an entry in ClinVar:

NM_172107.4(KCNQ2):c.1229del (p.Pro410fs)

Gene: KCNQ2 (potassium voltage-gated channel subfamily Q member 2; minus strand). Cytogenetic location: 20q13.33.
Variant type: Deletion.
Coding change: c.1229del on transcript NM_172107.4 (MANE Select); coding-DNA position 1229, one base deleted (C; older notation c.1229delC).
Protein change: p.Pro410fs; shifts the reading frame from proline 410.
Molecular consequence: frameshift variant.
Genome position (GRCh38, 1-based): chr20:63,424,195, G deleted on the plus strand (C on the coding strand, the reverse complement: KCNQ2 is on the minus strand); the first of 6 consecutive G bases (chr20:63,424,195-63,424,200); deleting any one gives the same sequence. VCF-style (leftmost placement, unchanged base first): chr20-63424194-CG-C. GRCh37 (hg19) VCF-style: chr20-62055547-CG-C.
Other names: c.1229del (NM_172107.2); c.1199del, p.Pro400fs (NM_004518.6); c.1229del, p.Pro410fs (NM_172106.3, NM_172108.5); short protein forms P410fs, P400fs.
Identifiers: ClinVar variation 280043 (VCV000280043.9), dbSNP rs886041339, ClinGen allele CA10603368.
Genomic context (GRCh38, chr20:63,424,194, plus strand): 5'-CGTGCACACGGCAGACACCAGGGTAGCAGCAGGGGGCACTGACCTTGGAGACGGCTCCGG[CG>C]GGGGGTCCTTCCTTCAAACAGAAGCAACAGAGAGTTAGTGGCCGCCCACTCAGCACCCAT-3'

ClinVar aggregate classification (germline): Pathogenic/Likely pathogenic. Review status: criteria provided, multiple submitters, no conflicts (2 of 4 stars). 5 submissions from 5 submitters: Pathogenic (4); Likely pathogenic (1). Last evaluated 2026-10-23.

Conditions:
Developmental and epileptic encephalopathy, 7 (DEE7). Also called: KCNQ2-Related Neonatal Epileptic Encephalopathy; KCNQ2-Related Neonatal-Onset Developmental and Epileptic Encephalopathy (NEO-DEE); Early infantile epileptic encephalopathy 7. Identifiers: Orphanet 439218, MedGen C3150986, MONDO:0013387, OMIM 613720.
Seizures, benign familial neonatal, 1. Also called: KCNQ2-Related Benign Familial Neonatal Epilepsy; KCNQ2-Related Self-Limited Familial Neonatal Epilepsy (SLFNE); Benign Neonatal Epilepsy 1; Seizures, benign neonatal, 1. Identifiers: Orphanet 1949, MedGen C3149074, MONDO:0007365, OMIM 121200.
Early-infantile DEE. Also called: Early infantile epileptic encephalopathy with suppression bursts; Ohtahara syndrome; Early infantile epileptic encephalopathy. Identifiers: Orphanet 1934, MedGen C0393706, MONDO:0800491.

Submissions (5):

Institute of Medical Genetics and Applied Genomics, University Hospital Tübingen
Classification: Likely pathogenic for Seizures, benign familial neonatal, 1. Last evaluated: 2026-10-23. Review status: criteria provided, single submitter. Criteria: ACMG Guidelines, 2015. Collection method: clinical testing. Allele origin: germline. Inheritance: Autosomal dominant inheritance. Affected: yes.

GeneDx
Classification: Pathogenic. Last evaluated: 2025-09-22. Review status: criteria provided, single submitter. Criteria: GeneDx Variant Classification Process June 2021. Collection method: clinical testing. Allele origin: germline. Affected: yes.
Comment: Published functional studies demonstrate a damaging effect (PMID: 19559753); Frameshift variant predicted to result in protein truncation or nonsense mediated decay in a gene for which loss of function is a known mechanism of disease; This variant is associated with the following publications: (PMID: 19559753)

Dubai Health Genomic Medicine Center, Dubai Health
Classification: Pathogenic for Developmental and epileptic encephalopathy 7. Last evaluated: 2024-10-04. Review status: criteria provided, single submitter. Criteria: ACMG Guidelines, 2015. Collection method: research. Allele origin: germline. Affected: yes.
Comment: PVS1,PS3,PM2,PP1

Labcorp Genetics (formerly Invitae), Labcorp
Classification: Pathogenic for Early-infantile DEE. Last evaluated: 2023-08-10. Review status: criteria provided, single submitter. Criteria: Invitae Variant Classification Sherloc (09022015). Collection method: clinical testing. Allele origin: germline.
Comment: For these reasons, this variant has been classified as Pathogenic. ClinVar contains an entry for this variant (Variation ID: 280043). This variant has not been reported in the literature in individuals affected with KCNQ2-related conditions. The frequency data for this variant in the population databases is considered unreliable, as metrics indicate poor data quality at this position in the gnomAD database. This sequence change creates a premature translational stop signal (p.Pro410Argfs*30) in the KCNQ2 gene. It is expected to result in an absent or disrupted protein product. Loss-of-function variants in KCNQ2 are known to be pathogenic (PMID: 14534157, 23692823, 27779742).

Cytogénomique, Hospices Civils de Lyon
Classification: Pathogenic for Seizures, benign familial neonatal, 1. Last evaluated: 2017-05-23. Review status: criteria provided, single submitter. Criteria: ACMG Guidelines, 2015. Collection method: clinical testing. Allele origin: unknown. Inheritance: Autosomal dominant inheritance. Affected: yes.

Literature cited by the submitters: PubMed 14534157 (cited by Labcorp Genetics (formerly Invitae), Labcorp); PubMed 23692823 (cited by Labcorp Genetics (formerly Invitae), Labcorp); PubMed 27779742 (cited by Labcorp Genetics (formerly Invitae), Labcorp); PubMed 19559753 (cited by Cytogénomique, Hospices Civils de Lyon).